The following is an entry in ClinVar:

ClinVar aggregate classification (germline): Uncertain significance (1 of 4 stars; one submission).

Submission:

Labcorp Genetics (formerly Invitae), Labcorp
Classification: Uncertain significance. Last evaluated: 2022-09-06. Review status: criteria provided, single submitter. Criteria: Invitae Variant Classification Sherloc (09022015). Collection method: clinical testing. Allele origin: germline.
Comment: This sequence change replaces isoleucine, which is neutral and non-polar, with methionine, which is neutral and non-polar, at codon 118 of the RDH5 protein (p.Ile118Met). This variant is present in population databases (rs200207744, gnomAD 0.01%). This variant has not been reported in the literature in individuals affected with RDH5-related conditions. ClinVar contains an entry for this variant (Variation ID: 1000638). Algorithms developed to predict the effect of missense changes on protein structure and function (SIFT, PolyPhen-2, Align-GVGD) all suggest that this variant is likely to be tolerated. In summary, the available evidence is currently insufficient to determine the role of this variant in disease. Therefore, it has been classified as a Variant of Uncertain Significance.

NM_002905.5(RDH5):c.354C>G (p.Ile118Met)

Genes: BLOC1S1-RDH5 (BLOC1S1-RDH5 readthrough; plus strand), RDH5 (retinol dehydrogenase 5; plus strand). Cytogenetic location: 12q13.2.
Variant type: single nucleotide variant.
Coding change: c.354C>G on transcript NM_002905.5 (MANE Select); coding-DNA position 354, C replaced by G.
Protein change: p.Ile118Met; replaces isoleucine 118 with methionine.
Molecular consequence: missense variant. On other transcripts: non-coding transcript variant (1).
Genome position (GRCh38, 1-based): chr12:55,721,732, C>G. VCF-style: chr12-55721732-C-G. GRCh37 (hg19) VCF-style: chr12-56115516-C-G.
Other names: c.354C>G, p.Ile118Met (NM_001199771.3); short protein forms I118M.
Identifiers: ClinVar variation 1000638 (VCV001000638.6), dbSNP rs200207744, ClinGen allele CA6616818.